The following is an entry in ClinVar:

NM_153252.5(BRWD3):c.3729-1G>C

Gene: BRWD3 (bromodomain and WD repeat domain containing 3; minus strand). Cytogenetic location: Xq21.1.
Variant type: single nucleotide variant.
Coding change: c.3729-1G>C on transcript NM_153252.5 (MANE Select); the canonical splice acceptor site of the intron before coding-DNA position 3729, G replaced by C.
Molecular consequence: splice acceptor variant.
Genome position (GRCh38, 1-based): chrX:80,689,847, C>G on the plus strand (G>C on the coding strand, the complement: BRWD3 is on the minus strand). VCF-style: chrX-80689847-C-G. GRCh37 (hg19) VCF-style: chrX-79945346-C-G.
Identifiers: ClinVar variation 1203572 (VCV001203572.4), dbSNP rs2147690107, ClinGen allele CA413615713.

ClinVar aggregate classification (germline): Pathogenic (1 of 4 stars; one submission).

Submission:

GeneDx
Classification: Pathogenic. Last evaluated: 2024-04-03. Review status: criteria provided, single submitter. Criteria: GeneDx Variant Classification Process June 2021. Collection method: clinical testing. Allele origin: germline. Affected: yes.
Comment: Canonical splice site variant predicted to result in a null allele in a gene for which loss of function is a known mechanism of disease; Not observed at significant frequency in large population cohorts (gnomAD); Has not been previously published as pathogenic or benign to our knowledge